The following is an entry in ClinVar:

NM_004260.4(RECQL4):c.2288dup (p.Gln764fs)

Gene: RECQL4 (RecQ like helicase 4; minus strand). Cytogenetic location: 8q24.3.
Variant type: Duplication.
Coding change: c.2288dup on transcript NM_004260.4 (MANE Select); coding-DNA position 2288, one base duplicated (G; older notation c.2288dupG).
Protein change: p.Gln764fs; shifts the reading frame from glutamine 764.
Molecular consequence: frameshift variant.
Genome position (GRCh38, 1-based): chr8:144,513,393, C duplicated on the plus strand (G on the coding strand, the reverse complement: RECQL4 is on the minus strand); the first of 3 consecutive C bases (chr8:144,513,393-144,513,395); duplicating any one gives the same sequence. VCF-style (leftmost placement, unchanged base first): chr8-144513392-G-GC. GRCh37 (hg19) VCF-style: chr8-145738776-G-GC.
Other names: short protein forms Q764fs.
Identifiers: ClinVar variation 1423182 (VCV001423182.6), dbSNP rs2130679413, ClinGen allele CA2573143074.

ClinVar aggregate classification (germline): Pathogenic (1 of 4 stars; one submission).

Conditions:
Baller-Gerold syndrome (BGS). Also called: CRANIOSYNOSTOSIS WITH RADIAL DEFECTS. Identifiers: Orphanet 1225, MedGen C0265308, MONDO:0009039, OMIM 218600.

Submission:

Labcorp Genetics (formerly Invitae), Labcorp
Classification: Pathogenic for Baller-Gerold syndrome. Last evaluated: 2021-07-17. Review status: criteria provided, single submitter. Criteria: Invitae Variant Classification Sherloc (09022015). Collection method: clinical testing. Allele origin: germline.
Comment: For these reasons, this variant has been classified as Pathogenic. This variant has not been reported in the literature in individuals affected with RECQL4-related conditions. This variant is not present in population databases (ExAC no frequency). This sequence change creates a premature translational stop signal (p.Gln764Profs*45) in the RECQL4 gene. It is expected to result in an absent or disrupted protein product. Loss-of-function variants in RECQL4 are known to be pathogenic (PMID: 12734318, 12952869).

Literature cited by the submitters: PubMed 12734318; PubMed 12952869.